The following is an entry in ClinVar:

ClinVar aggregate classification (germline): Uncertain significance (1 of 4 stars; one submission).

Conditions:
Glycine encephalopathy. Also called: Nonketotic hyperglycinemia; Non-ketotic hyperglycinemia. Identifiers: Orphanet 407, MedGen C0751748, MONDO:0011612, HP:0008288.

Submission:

Labcorp Genetics (formerly Invitae), Labcorp
Classification: Uncertain significance for Glycine encephalopathy. Last evaluated: 2019-10-16. Review status: criteria provided, single submitter. Criteria: Invitae Variant Classification Sherloc (09022015). Collection method: clinical testing. Allele origin: germline.
Comment: In summary, the available evidence is currently insufficient to determine the role of this variant in disease. Therefore, it has been classified as a Variant of Uncertain Significance. Algorithms developed to predict the effect of missense changes on protein structure and function are either unavailable or do not agree on the potential impact of this missense change (SIFT: "Deleterious"; PolyPhen-2: "Possibly Damaging"; Align-GVGD: "Class C0"). This variant has not been reported in the literature in individuals with AMT-related conditions. This variant is not present in population databases (ExAC no frequency). This sequence change replaces isoleucine with phenylalanine at codon 344 of the AMT protein (p.Ile344Phe). The isoleucine residue is moderately conserved and there is a small physicochemical difference between isoleucine and phenylalanine.

NM_000481.4(AMT):c.1030A>T (p.Ile344Phe)

Gene: AMT (aminomethyltransferase; minus strand). Cytogenetic location: 3p21.31.
Variant type: single nucleotide variant.
Coding change: c.1030A>T on transcript NM_000481.4 (MANE Select); coding-DNA position 1030, A replaced by T.
Protein change: p.Ile344Phe; replaces isoleucine 344 with phenylalanine.
Molecular consequence: missense variant. On other transcripts: non-coding transcript variant (1).
Genome position (GRCh38, 1-based): chr3:49,417,821, T>A on the plus strand (A>T on the coding strand, the complement: AMT is on the minus strand). VCF-style: chr3-49417821-T-A. GRCh37 (hg19) VCF-style: chr3-49455254-T-A.
Other names: c.898A>T, p.Ile300Phe (NM_001164710.2); c.862A>T, p.Ile288Phe (NM_001164711.2); c.1030A>T, p.Ile344Phe (NM_001164712.2); short protein forms I344F, I288F, I300F.
Identifiers: ClinVar variation 966575 (VCV000966575.7), dbSNP rs2049024917, ClinGen allele CA352789293.